The following is an entry in ClinVar:

ClinVar aggregate classification (germline): Uncertain significance (1 of 4 stars; one submission).

Allele frequency attached by ClinVar (database versions not stated): TOPMed 0.00002; gnomAD 0.00003.
gnomAD v4.1: 48 of 1,613,950 alleles (0.003%); highest among the groups gnomAD compares: Non-Finnish European, 0.0032%; no homozygotes.

Submission:

Labcorp Genetics (formerly Invitae), Labcorp
Classification: Uncertain significance. Last evaluated: 2023-08-20. Review status: criteria provided, single submitter. Criteria: Invitae Variant Classification Sherloc (09022015). Collection method: clinical testing. Allele origin: germline.
Comment: This sequence change replaces proline, which is neutral and non-polar, with alanine, which is neutral and non-polar, at codon 215 of the PROSC protein (p.Pro215Ala). This variant is present in population databases (rs768143536, gnomAD 0.003%). This variant has not been reported in the literature in individuals affected with PROSC-related conditions. ClinVar contains an entry for this variant (Variation ID: 1931357). Algorithms developed to predict the effect of missense changes on protein structure and function output the following: SIFT: "Not Available"; PolyPhen-2: "Benign"; Align-GVGD: "Not Available". The alanine amino acid residue is found in multiple mammalian species, which suggests that this missense change does not adversely affect protein function. In summary, the available evidence is currently insufficient to determine the role of this variant in disease. Therefore, it has been classified as a Variant of Uncertain Significance.

NM_007198.4(PLPBP):c.643C>G (p.Pro215Ala)

Gene: PLPBP (pyridoxal phosphate binding protein; plus strand). Cytogenetic location: 8p11.23.
Variant type: single nucleotide variant.
Coding change: c.643C>G on transcript NM_007198.4 (MANE Select); coding-DNA position 643, C replaced by G.
Protein change: p.Pro215Ala; replaces proline 215 with alanine.
Molecular consequence: missense variant.
Genome position (GRCh38, 1-based): chr8:37,775,963, C>G. VCF-style: chr8-37775963-C-G. GRCh37 (hg19) VCF-style: chr8-37633481-C-G.
Other names: c.673C>G, p.Pro225Ala (NM_001349346.2); c.637C>G, p.Pro213Ala (NM_001349347.2); c.487C>G, p.Pro163Ala (NM_001349348.2); short protein forms P163A, P215A, P225A, P213A.
Identifiers: ClinVar variation 1931357 (VCV001931357.3), dbSNP rs768143536, ClinGen allele CA175040226.